The following is an entry in ClinVar:

ClinVar aggregate classification (germline): Likely benign. Review status: criteria provided, single submitter (1 of 4 stars). 2 submissions from 2 submitters: Likely benign (1). 1 of the submissions does not count toward it. Last evaluated 2024-09-16.

Conditions:
KCNT2-related disorder. Also called: KCNT2-related condition. Identifiers: MedGen CN236796.

Allele frequency attached by ClinVar (database versions not stated): TOPMed 0.00005; ExAC 0.00009; gnomAD 0.00011; ESP Exome Variant Server 0.00015.
gnomAD v4.1: 98 of 1,611,206 alleles (0.0061%); highest among the groups gnomAD compares: Middle Eastern, 0.016%; no homozygotes.

Submissions (2):

Blueprint Genetics
Classification: Likely benign. Last evaluated: 2024-09-16. Review status: criteria provided, single submitter. Criteria: ACMG Guidelines, 2015. Collection method: clinical testing. Allele origin: germline.

PreventionGenetics, part of Exact Sciences
Classification: Likely benign for KCNT2-related condition. Last evaluated: 2021-04-23. Review status: no assertion criteria provided. Collection method: clinical testing. Allele origin: germline. Not counted in ClinVar's aggregate classification.
Comment: This variant is classified as likely benign based on ACMG/AMP sequence variant interpretation guidelines (Richards et al. 2015 PMID: 25741868, with internal and published modifications).

NM_198503.5(KCNT2):c.1455C>T (p.Ser485=)

Gene: KCNT2 (potassium sodium-activated channel subfamily T member 2; minus strand). Cytogenetic location: 1q31.3.
Variant type: single nucleotide variant.
Coding change: c.1455C>T on transcript NM_198503.5 (MANE Select); coding-DNA position 1455, C replaced by T.
Protein change: p.Ser485=; no amino-acid change (serine 485 retained).
Molecular consequence: synonymous variant. On other transcripts: non-coding transcript variant (2), intron variant (1).
Genome position (GRCh38, 1-based): chr1:196,342,177, G>A on the plus strand (C>T on the coding strand, the complement: KCNT2 is on the minus strand). VCF-style: chr1-196342177-G-A. GRCh37 (hg19) VCF-style: chr1-196311307-G-A.
Other names: c.1455C>T, p.Ser485= (NM_001287819.3); c.1404-1607C>T (NM_001287820.3).
Identifiers: ClinVar variation 3036516 (VCV003036516.3), dbSNP rs141251248, ClinGen allele CA1304442.
Genomic context (GRCh38, chr1:196,342,177, plus strand): 5'-TCCTTCATATTCAGCAAAAAATGTACTTTCTTCCAAAACAATGTGGTAGACTTCATTCCC[G>A]GAGCATCTACCGTACATCTTCTGCCATTGTTCTGGCGATTGCTGGCCTTCTCTGCAACAC-3'
Protein context (NP_940905.2, residues 475-495): EQWQKMYGRC[Ser485=]GNEVYHIVLE